The following is an entry in ClinVar:

ClinVar aggregate classification (germline): Uncertain significance (1 of 4 stars; one submission).

Conditions:
Lafora disease. Also called: Epilepsy progressive myoclonic 2; Progressive Myoclonus Epilepsy, Lafora Type. Identifiers: Orphanet 501, MedGen C0751783, MONDO:0009697.

Submission:

Labcorp Genetics (formerly Invitae), Labcorp
Classification: Uncertain significance for Lafora disease. Last evaluated: 2023-12-06. Review status: criteria provided, single submitter. Criteria: Invitae Variant Classification Sherloc (09022015). Collection method: clinical testing. Allele origin: germline.
Comment: This sequence change replaces valine, which is neutral and non-polar, with phenylalanine, which is neutral and non-polar, at codon 189 of the NHLRC1 protein (p.Val189Phe). This variant is not present in population databases (gnomAD no frequency). This variant has not been reported in the literature in individuals affected with NHLRC1-related conditions. ClinVar contains an entry for this variant (Variation ID: 2010284). Advanced modeling of protein sequence and biophysical properties (such as structural, functional, and spatial information, amino acid conservation, physicochemical variation, residue mobility, and thermodynamic stability) has been performed at Invitae for this missense variant, however the output from this modeling did not meet the statistical confidence thresholds required to predict the impact of this variant on NHLRC1 protein function. In summary, the available evidence is currently insufficient to determine the role of this variant in disease. Therefore, it has been classified as a Variant of Uncertain Significance.

NM_198586.3(NHLRC1):c.565G>T (p.Val189Phe)

Gene: NHLRC1 (NHL repeat containing E3 ubiquitin protein ligase 1; minus strand). Cytogenetic location: 6p22.3.
Variant type: single nucleotide variant.
Coding change: c.565G>T on transcript NM_198586.3 (MANE Select); coding-DNA position 565, G replaced by T.
Protein change: p.Val189Phe; replaces valine 189 with phenylalanine.
Molecular consequence: missense variant.
Genome position (GRCh38, 1-based): chr6:18,122,042, C>A on the plus strand (G>T on the coding strand, the complement: NHLRC1 is on the minus strand). VCF-style: chr6-18122042-C-A. GRCh37 (hg19) VCF-style: chr6-18122273-C-A.
Other names: short protein forms V189F.
Identifiers: ClinVar variation 2010284 (VCV002010284.4), dbSNP rs1443355679, ClinGen allele CA362827426.
Genomic context (GRCh38, chr6:18,122,042, plus strand): 5'-GCTTGATCTGGCCAAAAAAATCAAACACTTTGATGGAGCGATCGCCGGCGTCAGTGACAA[C>A]CACATGGCAGTCGTTGGTGATGGTGACATCCACAGGGTACCTAATGTCTTGGGCAGCGTC-3'
Protein context (NP_940988.2, residues 179-199): DVTITNDCHV[Val189Phe]VTDAGDRSIK